The following continues an entry in ClinVar:

NM_024675.4(PALB2):c.509_510del (p.Arg170fs)

Gene: PALB2. ClinVar aggregate classification (germline): Pathogenic. Pathogenic (41).

Submissions 41 to 55 of 55:

Genesis Genomics
Classification: Pathogenic for Breast-ovarian cancer, familial, susceptibility to, 5. Review status: criteria provided, single submitter. Criteria: ACMG Guidelines, 2015. Collection method: clinical testing. Allele origin: germline. Affected: yes. Observed: 1 variant allele.

BRCAlab, Lund University
Classification: Pathogenic for Hereditary breast ovarian cancer syndrome. Last evaluated: 2022-08-26. Review status: no assertion criteria provided. Collection method: clinical testing. Allele origin: germline. Affected: yes. Not counted in ClinVar's aggregate classification.

Clinical Genetics Laboratory, University Hospital Schleswig-Holstein
Classification: Pathogenic for Familial cancer of breast. Last evaluated: 2022-05-02. Review status: no assertion criteria provided. Collection method: clinical testing. Allele origin: germline. Affected: yes. Not counted in ClinVar's aggregate classification.

Medical Genetics Laboratory, Umraniye Training and Research Hospital, University of Health Sciences
Classification: Pathogenic for Breast carcinoma. Last evaluated: 2021-08-09. Review status: no assertion criteria provided. Collection method: clinical testing. Allele origin: germline. Inheritance: Autosomal dominant inheritance. Affected: yes. Observed: 1 variant allele, 1 heterozygote. Not counted in ClinVar's aggregate classification.

CZECANCA consortium
Classification: Pathogenic for Carcinoma of pancreas. Last evaluated: 2021-03-04. Review status: no assertion criteria provided. Collection method: case-control. Allele origin: germline. Affected: yes. Observed: 2 variant alleles. Not counted in ClinVar's aggregate classification.

Leiden Open Variation Database
Classification: Pathogenic. Last evaluated: 2020-02-28. Review status: no assertion criteria provided. Collection method: curation. Allele origin: germline. Affected: no. Not counted in ClinVar's aggregate classification.
Comment: Curators: Marc Tischkowitz, Arleen D. Auerbach. Submitters to LOVD: Andreas Laner, Marc Tischkowitz.

CZECANCA consortium
Classification: Pathogenic for Breast and/or ovarian cancer. Last evaluated: 2019-06-11. Review status: no assertion criteria provided. Collection method: clinical testing. Allele origin: germline. Affected: yes. Observed: 1 variant allele. Not counted in ClinVar's aggregate classification.

Counsyl
Classification: Pathogenic for Familial cancer of breast. Last evaluated: 2016-11-02. Review status: no assertion criteria provided. Collection method: clinical testing. Allele origin: unknown. Not counted in ClinVar's aggregate classification.

Pathway Genomics
Classification: Pathogenic for Breast carcinoma. Last evaluated: 2014-11-06. Review status: no assertion criteria provided. Collection method: clinical testing. Allele origin: germline. Not counted in ClinVar's aggregate classification.

Clinical Genetics DNA and cytogenetics Diagnostics Lab, Erasmus MC, Erasmus Medical Center
Classification: Pathogenic. Review status: no assertion criteria provided. Collection method: clinical testing. Allele origin: germline. Affected: yes. Study: VKGL Data-share Consensus. Not counted in ClinVar's aggregate classification.

Clinical Genetics Laboratory, Department of Pathology, Netherlands Cancer Institute
Classification: Pathogenic. Review status: no assertion criteria provided. Collection method: clinical testing. Allele origin: germline. Affected: yes. Study: VKGL Data-share Consensus. Not counted in ClinVar's aggregate classification.

Department of Pathology and Laboratory Medicine, Sinai Health System
Classification: Pathogenic for Malignant tumor of breast. Review status: no assertion criteria provided. Collection method: clinical testing. Allele origin: unknown. Affected: yes. Study: The Canadian Open Genetics Repository (COGR). Not counted in ClinVar's aggregate classification.
Comment: The PALB2 p.Arg170Ilefs*14 variant was identified in 40 of 17778 proband chromosomes (frequency: 0.002) from American and Central European individuals or families with breast/ovarian cancer, colon or familial pancreatic cancer and was identified in 1 of 13574 control chromosomes (freq: 0.00007) from healthy individuals (Antoniou 2014 , AlDubayan 2018, Bogdanova 2011, Cybulski 2015, Dansonka-Mieszkowska 2010, Kluska 2017, Noskowicz 2014, Slater 2010). The variant was identified in dbSNP (ID: rs515726124) as "With Pathogenic allele", in ClinVar (classified pathogenic by GeneDx, Invitae, Ambry Genetics and 9 other submitters), and LOVD 3.0 (1x) databases. The variant was not identified in the following control databases: the 1000 Genomes Project, the NHLBI GO Exome Sequencing Project, the Exome Aggregation Consortium (August 8th 2016), or the Genome Aggregation Database (Feb 27, 2017). The c.509_510del variant is predicted to cause a frameshift, which alters the protein's amino acid sequence beginning at codon 170 and leads to a premature stop codon 14 codons downstream. This alteration is then predicted to result in a truncated or absent protein and loss of function. Loss of function variants of the PALB2 gene are an established mechanism of disease in PALB2 associated breast cancer and is the type of variant expected to cause the disorder. In summary, based on the above information this variant meets our laboratoryâ€šÃ„Ã´s criteria to be classified as pathogenic.

Diagnostic Laboratory, Department of Genetics, University Medical Center Groningen
Classification: Pathogenic. Review status: no assertion criteria provided. Collection method: clinical testing. Allele origin: germline. Affected: yes. Study: VKGL Data-share Consensus. Not counted in ClinVar's aggregate classification.

Genome Diagnostics Laboratory, Amsterdam University Medical Center
Classification: Pathogenic. Review status: no assertion criteria provided. Collection method: clinical testing. Allele origin: germline. Affected: yes. Study: VKGL Data-share Consensus. Not counted in ClinVar's aggregate classification.

Joint Genome Diagnostic Labs from Nijmegen and Maastricht, Radboudumc and MUMC+
Classification: Pathogenic. Review status: no assertion criteria provided. Collection method: clinical testing. Allele origin: germline. Affected: yes. Study: VKGL Data-share Consensus. Not counted in ClinVar's aggregate classification.

Literature cited by the submitters: PubMed 17200668 (cited by Labcorp Genetics (formerly Invitae), Labcorp and Variantyx, Inc.); PubMed 17200671 (cited by Labcorp Genetics (formerly Invitae), Labcorp and Variantyx, Inc.); PubMed 17200672 (cited by Labcorp Genetics (formerly Invitae), Labcorp and Variantyx, Inc.); PubMed 24136930 (cited by 5 submitters); PubMed 25099575 (cited by 5 submitters); PubMed 20122277 (cited by 11 submitters); PubMed 20412113 (cited by 8 submitters); PubMed 21285249 (cited by 9 submitters); PubMed 24061862 (cited by 8 submitters); PubMed 25330149 (cited by 5 submitters); PubMed 25959805 (cited by 5 submitters); PubMed 26083025 (cited by Labcorp Genetics (formerly Invitae), Labcorp and Quest Diagnostics Nichols Institute San Juan Capistrano); PubMed 27038244 (cited by 3 submitters); PubMed 27106063 (cited by 5 submitters); PubMed 20582465 (cited by 4 submitters); PubMed 25186627 (cited by 3 submitters); PubMed 26270727 (cited by 3 submitters); PubMed 28158555 (cited by 6 submitters); PubMed 33471991 (cited by Color Diagnostics, LLC DBA Color Health); PubMed 33674644 (cited by 3 submitters); PubMed 32997802 (cited by Center for Genomic Medicine, Rigshospitalet, Copenhagen University Hospital and Quest Diagnostics Nichols Institute San Juan Capistrano); PubMed 21165770 (cited by 4 submitters); PubMed 21365267 (cited by Ambry Genetics); PubMed 26720728 (cited by Ambry Genetics and Quest Diagnostics Nichols Institute San Juan Capistrano); PubMed 27099641 (cited by Ambry Genetics); PubMed 28279176 (cited by 3 submitters); PubMed 25452441 (cited by Quest Diagnostics Nichols Institute San Juan Capistrano and Leiden Open Variation Database); PubMed 24415441 (cited by Quest Diagnostics Nichols Institute San Juan Capistrano and Leiden Open Variation Database); PubMed 26689913 (cited by Quest Diagnostics Nichols Institute San Juan Capistrano); PubMed 28709830 (cited by Quest Diagnostics Nichols Institute San Juan Capistrano); PubMed 29052111 (cited by Quest Diagnostics Nichols Institute San Juan Capistrano); PubMed 29478780 (cited by Quest Diagnostics Nichols Institute San Juan Capistrano); PubMed 29625052 (cited by Quest Diagnostics Nichols Institute San Juan Capistrano); PubMed 30086788 (cited by Quest Diagnostics Nichols Institute San Juan Capistrano); PubMed 30113427 (cited by Quest Diagnostics Nichols Institute San Juan Capistrano); PubMed 30833416 (cited by Quest Diagnostics Nichols Institute San Juan Capistrano); PubMed 31159747 (cited by Quest Diagnostics Nichols Institute San Juan Capistrano); PubMed 31312277 (cited by Quest Diagnostics Nichols Institute San Juan Capistrano); PubMed 31570822 (cited by Quest Diagnostics Nichols Institute San Juan Capistrano); PubMed 32546565 (cited by Quest Diagnostics Nichols Institute San Juan Capistrano); PubMed 32554798 (cited by Quest Diagnostics Nichols Institute San Juan Capistrano); PubMed 32853339 (cited by Quest Diagnostics Nichols Institute San Juan Capistrano); PubMed 32885271 (cited by Quest Diagnostics Nichols Institute San Juan Capistrano); PubMed 20589654 (cited by Leiden Open Variation Database); PubMed 32295079 (cited by CZECANCA consortium).